The following is an entry in ClinVar:

NM_002519.3(NPAT):c.3136C>G (p.Pro1046Ala)

Gene: NPAT (nuclear protein, coactivator of histone transcription; minus strand). Cytogenetic location: 11q22.3.
Variant type: single nucleotide variant.
Coding change: c.3136C>G on transcript NM_002519.3 (MANE Select); coding-DNA position 3136, C replaced by G.
Protein change: p.Pro1046Ala; replaces proline 1046 with alanine.
Molecular consequence: missense variant.
Genome position (GRCh38, 1-based): chr11:108,161,950, G>C on the plus strand (C>G on the coding strand, the complement: NPAT is on the minus strand). VCF-style: chr11-108161950-G-C. GRCh37 (hg19) VCF-style: chr11-108032677-G-C.
Other names: c.3157C>G, p.Pro1053Ala (NM_001321307.1); short protein forms P1046A, P1053A.
Identifiers: ClinVar variation 2587660 (VCV002587660.2), dbSNP rs2496697268, ClinGen allele CA382511454.

ClinVar aggregate classification (germline): Uncertain significance (1 of 4 stars; one submission).

Submission:

Ambry Genetics
Classification: Uncertain significance. Last evaluated: 2023-06-29. Review status: criteria provided, single submitter. Criteria: Ambry Variant Classification Scheme 2023. Collection method: clinical testing. Allele origin: germline.
Comment: The p.P1046A variant (also known as c.3136C>G), located in coding exon 17 of the NPAT gene, results from a C to G substitution at nucleotide position 3136. The proline at codon 1046 is replaced by alanine, an amino acid with highly similar properties. This amino acid position is conserved. In addition, this alteration is predicted to be tolerated by in silico analysis. Since supporting evidence is limited at this time, the clinical significance of this alteration remains unclear.